The following is an entry in ClinVar:

ClinVar aggregate classification (germline): Pathogenic (1 of 4 stars; one submission).

Submission:

Labcorp Genetics (formerly Invitae), Labcorp
Classification: Pathogenic. Last evaluated: 2023-04-06. Review status: criteria provided, single submitter. Criteria: Invitae Variant Classification Sherloc (09022015). Collection method: clinical testing. Allele origin: germline.
Comment: This sequence change creates a premature translational stop signal (p.Pro480Leufs*26) in the CYP17A1 gene. While this is not anticipated to result in nonsense mediated decay, it is expected to disrupt the last 29 amino acid(s) of the CYP17A1 protein. This variant is not present in population databases (gnomAD no frequency). This variant has not been reported in the literature in individuals affected with CYP17A1-related conditions. This variant disrupts a region of the CYP17A1 protein in which other variant(s) (p.Arg496Cys) have been determined to be pathogenic (PMID: 1515452, 9888582, 10720067, 16483711). This suggests that this is a clinically significant region of the protein, and that variants that disrupt it are likely to be disease-causing. For these reasons, this variant has been classified as Pathogenic.

Literature cited by the submitters: PubMed 1515452; PubMed 9888582; PubMed 10720067; PubMed 16483711.

NM_000102.4(CYP17A1):c.1438_1439insT (p.Pro480fs)

Gene: CYP17A1 (cytochrome P450 family 17 subfamily A member 1; minus strand). Cytogenetic location: 10q24.32.
Variant type: Insertion.
Coding change: c.1438_1439insT on transcript NM_000102.4 (MANE Select); coding-DNA positions 1438 to 1439, T inserted.
Protein change: p.Pro480fs; shifts the reading frame from proline 480.
Molecular consequence: frameshift variant.
Genome position: GRCh38 VCF-style: chr10-102830790-G-GA. GRCh37 (hg19) VCF-style: chr10-104590547-G-GA.
Other names: short protein forms P480fs.
Identifiers: ClinVar variation 2852418 (VCV002852418.3), dbSNP rs2493234030, ClinGen allele CA2739275957.
Genomic context (GRCh38, chr10:102,830,790, plus strand): 5'-CTCCAGGCCTGGCGCACCTTGATCTTCACTTTGAAAGAGTCGATCAGAAAGACCACCTTG[G>GA]GGATGCCTTCCAGGGAGGGCAGCTGCCCATCATCTGGCACCTCCAGGTCGAACCTCTGCA-3'